The following is an entry in ClinVar:

NM_080473.5(GATA5):c.386C>T (p.Pro129Leu)

Gene: GATA5 (GATA binding protein 5; minus strand). Cytogenetic location: 20q13.33.
Variant type: single nucleotide variant.
Coding change: c.386C>T on transcript NM_080473.5 (MANE Select); coding-DNA position 386, C replaced by T.
Protein change: p.Pro129Leu; replaces proline 129 with leucine.
Molecular consequence: missense variant.
Genome position (GRCh38, 1-based): chr20:62,475,136, G>A on the plus strand (C>T on the coding strand, the complement: GATA5 is on the minus strand). VCF-style: chr20-62475136-G-A. GRCh37 (hg19) VCF-style: chr20-61050192-G-A.
Other names: short protein forms P129L.
Identifiers: ClinVar variation 3691304 (VCV003691304.2).
Genomic context (GRCh38, chr20:62,475,136, plus strand): 5'-TCGGGGCTCACGTAGGCCGGGTAGGTGGCGGAGTACGAGGTCCCCACCGGCCGCCCAAGC[G>A]GGGCCGCGAACTGTTCTCGAGGCAACAGCGCGCCCTGGTAGGCACTGCCGTCTCGGCCCC-3'
Protein context (NP_536721.1, residues 119-139): ALLPREQFAA[Pro129Leu]LGRPVGTSYS

ClinVar aggregate classification (germline): Uncertain significance (1 of 4 stars; one submission).

Submission:

Labcorp Genetics (formerly Invitae), Labcorp
Classification: Uncertain significance. Last evaluated: 2024-10-10. Review status: criteria provided, single submitter. Criteria: Invitae Variant Classification Sherloc (09022015). Collection method: clinical testing. Allele origin: germline.
Comment: This sequence change replaces proline, which is neutral and non-polar, with leucine, which is neutral and non-polar, at codon 129 of the GATA5 protein (p.Pro129Leu). This variant is not present in population databases (gnomAD no frequency). This variant has not been reported in the literature in individuals affected with GATA5-related conditions. Invitae Evidence Modeling of protein sequence and biophysical properties (such as structural, functional, and spatial information, amino acid conservation, physicochemical variation, residue mobility, and thermodynamic stability) indicates that this missense variant is not expected to disrupt GATA5 protein function with a negative predictive value of 80%. In summary, the available evidence is currently insufficient to determine the role of this variant in disease. Therefore, it has been classified as a Variant of Uncertain Significance.